The following continues an entry in ClinVar:

NM_000243.3(MEFV):c.1437C>G (p.Phe479Leu)

Gene: MEFV. ClinVar aggregate classification (germline): Conflicting classifications of pathogenicity. Pathogenic (8); Likely pathogenic (6); Uncertain significance (4).

Submissions 9 to 22 of 22:

Fulgent Genetics
Classification: Pathogenic for Familial Mediterranean fever, autosomal dominant; Familial Mediterranean fever; Acute febrile neutrophilic dermatosis. Last evaluated: 2024-05-26. Review status: criteria provided, single submitter. Criteria: ACMG Guidelines, 2015. Collection method: clinical testing. Allele origin: germline.

Baylor Genetics
Classification: Pathogenic for Familial Mediterranean fever, autosomal dominant. Last evaluated: 2024-03-27. Review status: criteria provided, single submitter. Criteria: ACMG Guidelines, 2015. Collection method: clinical testing. Allele origin: unknown.

Laboratory for Molecular Medicine, Mass General Brigham Personalized Medicine
Classification: Pathogenic for Familial Mediterranean fever. Last evaluated: 2022-06-23. Review status: criteria provided, single submitter. Criteria: ACMG Guidelines, 2015. Collection method: clinical testing. Allele origin: germline.
Comment: The p.Phe479Leu variant is a well established pathogenic variant and it has been reported in the homozygous, heterozygous and compound heterozygous state (with other well known pathogenic MEFV variants) in numerous individuals with Familial mediteranean fever (FMF) (personal communication Pr Serge Amselem, Medlej-Hashim 2000 PMID: 10737992); frequently it has been reported in cis with p.Glu167Asp and this complex allele is one of the most common pathogenic MEFV variants in Cypriot populations (Neocleous 2015 PMID: 25393764 ). The p.Phe479Leu variant has been reported in ClinVar (Variation ID: 2545)and it has been identified in 4/68034 European chromosomes by gnomAD. In summary, this variant meets criteria to be classified as pathogenic for autosomal recessive familial mediteranean fever (FMF). ACMG/AMP criteria applied: PM3_Very Strong, PM2_Supporting

MGZ Medical Genetics Center
Classification: Likely pathogenic for Familial Mediterranean fever. Last evaluated: 2022-03-02. Review status: criteria provided, single submitter. Criteria: ACMG Guidelines, 2015. Collection method: clinical testing. Allele origin: germline. Affected: yes. Observed: 1 variant allele.
Comment: ACMG criteria applied: PS4, PM3, PM2_SUP

Revvity Omics, Revvity
Classification: Pathogenic. Last evaluated: 2022-01-07. Review status: criteria provided, single submitter. Criteria: ACMG Guidelines, 2015. Collection method: clinical testing. Allele origin: germline.

Genome Diagnostics Laboratory, The Hospital for Sick Children
Classification: Likely pathogenic for Autoinflammatory syndrome. Last evaluated: 2021-09-03. Review status: criteria provided, single submitter. Criteria: ACMG Guidelines, 2015. Collection method: clinical testing. Allele origin: germline. Affected: yes.

Hadassah Hebrew University Medical Center
Classification: Pathogenic for Familial Mediterranean fever. Last evaluated: 2019-06-20. Review status: criteria provided, single submitter. Criteria: ACMG Guidelines, 2015. Collection method: clinical testing. Allele origin: germline. Affected: yes.

Mendelics
Classification: Uncertain significance for Familial Mediterranean fever. Last evaluated: 2019-05-28. Review status: criteria provided, single submitter. Criteria: Mendelics Assertion Criteria 2017. Collection method: clinical testing. Allele origin: unknown.

Quest Diagnostics Nichols Institute San Juan Capistrano
Classification: Pathogenic. Last evaluated: 2019-02-20. Review status: criteria provided, single submitter. Criteria: Quest Diagnostics criteria. Collection method: clinical testing. Allele origin: germline.
Comment: Not found in the total gnomAD dataset, and the data is high quality (0/282890 chr). Found in at least one symptomatic patient. Conflicting predictions of the effect on the protein. Occurs in multiple cases with a recessive pathogenic variant in the same gene. Statistically enriched in patients compared to ethnically matched controls.

Clinical Genetics and Genomics, Karolinska University Hospital
Classification: Likely pathogenic. Last evaluated: 2017-01-11. Review status: criteria provided, single submitter. Criteria: ACMG Guidelines, 2015. Collection method: clinical testing. Allele origin: germline. Affected: yes. Observed: 7 variant alleles.

OMIM
Classification: Pathogenic for FAMILIAL MEDITERRANEAN FEVER. Last evaluated: 2009-11-01. Review status: no assertion criteria provided. Collection method: literature only. Allele origin: germline. Not counted in ClinVar's aggregate classification.

Diagnostic Laboratory, Department of Genetics, University Medical Center Groningen
Classification: Likely pathogenic. Review status: no assertion criteria provided. Collection method: clinical testing. Allele origin: germline. Affected: yes. Study: VKGL Data-share Consensus. Not counted in ClinVar's aggregate classification.

Genome Diagnostics Laboratory, University Medical Center Utrecht
Classification: Likely pathogenic. Review status: no assertion criteria provided. Collection method: clinical testing. Allele origin: germline. Affected: yes. Study: VKGL Data-share Consensus. Not counted in ClinVar's aggregate classification.

Unité médicale des maladies autoinflammatoires, CHRU Montpellier
No classification provided. Condition: Familial Mediterranean fever. Review status: no classification provided. Collection method: not provided. Allele origin: unknown. Not counted in ClinVar's aggregate classification.

Literature cited by the submitters: PubMed 9668175 (cited by 4 submitters); PubMed 19253030 (cited by Women's Health and Genetics/Laboratory Corporation of America, LabCorp); PubMed 17566872 (cited by Women's Health and Genetics/Laboratory Corporation of America, LabCorp and Natera, Inc.); PubMed 15951859 (cited by Women's Health and Genetics/Laboratory Corporation of America, LabCorp); PubMed 20485448 (cited by Women's Health and Genetics/Laboratory Corporation of America, LabCorp); PubMed 15146467 (cited by Women's Health and Genetics/Laboratory Corporation of America, LabCorp); PubMed 25393764 (cited by Women's Health and Genetics/Laboratory Corporation of America, LabCorp and Labcorp Genetics (formerly Invitae), Labcorp); PubMed 31646357 (cited by Women's Health and Genetics/Laboratory Corporation of America, LabCorp); PubMed 31989427 (cited by Women's Health and Genetics/Laboratory Corporation of America, LabCorp and Natera, Inc.); PubMed 33726481 (cited by Women's Health and Genetics/Laboratory Corporation of America, LabCorp); PubMed 35098403 (cited by Women's Health and Genetics/Laboratory Corporation of America, LabCorp); PubMed 31598713 (cited by Women's Health and Genetics/Laboratory Corporation of America, LabCorp); PubMed 29040788 (cited by Women's Health and Genetics/Laboratory Corporation of America, LabCorp); PubMed 34328662 (cited by Women's Health and Genetics/Laboratory Corporation of America, LabCorp); PubMed 27105876 (cited by Natera, Inc.); PubMed 30624866 (cited by Natera, Inc.); PubMed 36215175 (cited by Natera, Inc.); PubMed 11175300 (cited by Labcorp Genetics (formerly Invitae), Labcorp); PubMed 25708585 (cited by Labcorp Genetics (formerly Invitae), Labcorp and Quest Diagnostics Nichols Institute San Juan Capistrano); PubMed 22975760 (cited by Labcorp Genetics (formerly Invitae), Labcorp and Quest Diagnostics Nichols Institute San Juan Capistrano); PubMed 23907647 (cited by Labcorp Genetics (formerly Invitae), Labcorp and Quest Diagnostics Nichols Institute San Juan Capistrano); PubMed 26351556 (cited by Labcorp Genetics (formerly Invitae), Labcorp); PubMed 29363386 (cited by Labcorp Genetics (formerly Invitae), Labcorp); PubMed 29178647 (cited by Labcorp Genetics (formerly Invitae), Labcorp); PubMed 33223529 (cited by Hadassah Hebrew University Medical Center); PubMed 10364520 (cited by Quest Diagnostics Nichols Institute San Juan Capistrano); PubMed 16378925 (cited by Quest Diagnostics Nichols Institute San Juan Capistrano); PubMed 19863562 (cited by Quest Diagnostics Nichols Institute San Juan Capistrano and OMIM).